The following is an entry in ClinVar:

NM_001103.4(ACTN2):c.2264_2265del (p.Met755fs)

Gene: ACTN2 (actinin alpha 2; plus strand). Cytogenetic location: 1q43.
Variant type: Deletion.
Coding change: c.2264_2265del on transcript NM_001103.4 (MANE Select); coding-DNA positions 2264 to 2265, 2 bases deleted (TG; older notation c.2264_2265delTG).
Protein change: p.Met755fs; shifts the reading frame from methionine 755.
Molecular consequence: frameshift variant. On other transcripts: non-coding transcript variant (1).
Genome position (GRCh38, 1-based): chr1:236,757,595-236,757,596, TG deleted. VCF-style (leftmost placement, unchanged base first): chr1-236757594-ATG-A. GRCh37 (hg19) VCF-style: chr1-236920894-ATG-A.
Other names: c.2264_2265del, p.Met755fs (NM_001278343.2); short protein forms M755fs.
Identifiers: ClinVar variation 3757831 (VCV003757831.2).

ClinVar aggregate classification (germline): Uncertain significance (1 of 4 stars; one submission).

Conditions:
Primary familial hypertrophic cardiomyopathy (HCM). Identifiers: Orphanet 99739, MedGen C0949658, MeSH D024741, MONDO:0024573. Inheritance: Various modes of inheritance.
Dilated cardiomyopathy 1AA (CMD1AA). Also called: CARDIOMYOPATHY, DILATED, 1AA, WITH OR WITHOUT LEFT VENTRICULAR NONCOMPACTION; CARDIOMYOPATHY, FAMILIAL HYPERTROPHIC, 23, WITH OR WITHOUT LEFT VENTRICULAR NONCOMPACTION; Cardiomyopathy, dilated, 1AA, with or without LVNC. Identifiers: Orphanet 154, MedGen C2677338, MONDO:0012808, OMIM 612158.

Submission:

Labcorp Genetics (formerly Invitae), Labcorp
Classification: Uncertain significance for Primary familial hypertrophic cardiomyopathy; Dilated cardiomyopathy 1AA. Last evaluated: 2024-08-27. Review status: criteria provided, single submitter. Criteria: Invitae Variant Classification Sherloc (09022015). Collection method: clinical testing. Allele origin: germline.
Comment: This sequence change creates a premature translational stop signal (p.Met755Lysfs*2) in the ACTN2 gene. It is expected to result in an absent or disrupted protein product. However, the current clinical and genetic evidence is not sufficient to establish whether loss-of-function variants in ACTN2 cause disease. This variant is not present in population databases (gnomAD no frequency). This variant has not been reported in the literature in individuals affected with ACTN2-related conditions. In summary, the available evidence is currently insufficient to determine the role of this variant in disease. Therefore, it has been classified as a Variant of Uncertain Significance.